The following is an entry in ClinVar:

NM_001256715.2(DNAAF3):c.1410del (p.Glu470fs)

Gene: DNAAF3 (dynein axonemal assembly factor 3; minus strand). Cytogenetic location: 19q13.42.
Variant type: Deletion.
Coding change: c.1410del on transcript NM_001256715.2 (MANE Select); coding-DNA position 1410, one base deleted (A; older notation c.1410delA).
Protein change: p.Glu470fs; shifts the reading frame from glutamic acid 470.
Molecular consequence: frameshift variant.
Genome position (GRCh38, 1-based): chr19:55,159,278, T deleted on the plus strand (A on the coding strand, the reverse complement: DNAAF3 is on the minus strand); the first of 2 consecutive T bases (chr19:55,159,278-55,159,279); deleting either gives the same sequence. VCF-style (leftmost placement, unchanged base first): chr19-55159277-GT-G. GRCh37 (hg19) VCF-style: chr19-55670645-GT-G.
Other names: c.1611delA (NM_001256714.1); c.1611del, p.Glu537fs (NM_001256714.1); c.1248del, p.Glu416fs (NM_001256716.2); c.1551del, p.Glu517fs (NM_178837.4); short protein forms E416fs, E517fs, E470fs, E537fs.
Identifiers: ClinVar variation 238685 (VCV000238685.4), dbSNP rs878854280, ClinGen allele CA10583867.

ClinVar aggregate classification (germline): Uncertain significance (1 of 4 stars; one submission).

Conditions:
Primary ciliary dyskinesia. Also called: Ciliary dyskinesia. Identifiers: Orphanet 244, MedGen C0008780, MONDO:0016575, HP:0012265.

Submission:

Labcorp Genetics (formerly Invitae), Labcorp
Classification: Uncertain significance for Primary ciliary dyskinesia. Last evaluated: 2018-08-29. Review status: criteria provided, single submitter. Criteria: Invitae Variant Classification Sherloc (09022015). Collection method: clinical testing. Allele origin: germline.
Comment: This sequence change results in a premature translational stop signal in the DNAAF3 gene (p.Glu537Aspfs*24). While this is not anticipated to result in nonsense mediated decay, it is expected to disrupt the last 70 amino acids of the DNAAF3 protein. This variant has not been reported in the literature in individuals with DNAAF3-related disease. ClinVar contains an entry for this variant (Variation ID: 238685). In summary, the available evidence is currently insufficient to determine the role of this variant in disease. Therefore, it has been classified as a Variant of Uncertain Significance.